The following is an entry in ClinVar:

NM_004525.3(LRP2):c.6121T>C (p.Phe2041Leu)

Gene: LRP2 (LDL receptor related protein 2; minus strand). Cytogenetic location: 2q31.1.
Variant type: single nucleotide variant.
Coding change: c.6121T>C on transcript NM_004525.3 (MANE Select); coding-DNA position 6121, T replaced by C.
Protein change: p.Phe2041Leu; replaces phenylalanine 2041 with leucine.
Molecular consequence: missense variant.
Genome position (GRCh38, 1-based): chr2:169,212,127, A>G on the plus strand (T>C on the coding strand, the complement: LRP2 is on the minus strand). VCF-style: chr2-169212127-A-G. GRCh37 (hg19) VCF-style: chr2-170068637-A-G.
Other names: c.6121T>C (NM_004525.2); short protein forms F2041L.
Identifiers: ClinVar variation 1464499 (VCV001464499.6), dbSNP rs988492187, ClinGen allele CA59899909.

ClinVar aggregate classification (germline): Uncertain significance. Review status: criteria provided, multiple submitters, no conflicts (2 of 4 stars). 2 submissions from 2 submitters: Uncertain significance (2). Last evaluated 2024-05-15.

Conditions:
Inborn genetic diseases. Identifiers: MedGen C0950123, MeSH D030342.

Allele frequency attached by ClinVar (database versions not stated): gnomAD exomes 0.00001 and 0.00002; TOPMed 0.00002.
gnomAD v4.1: 6 of 1,614,030 alleles (0.00037%); highest among the groups gnomAD compares: Admixed American, 0.0067%; no homozygotes.

Submissions (2):

Ambry Genetics
Classification: Uncertain significance for Inborn genetic diseases. Last evaluated: 2024-05-15. Review status: criteria provided, single submitter. Criteria: Ambry Variant Classification Scheme 2023. Collection method: clinical testing. Allele origin: germline.

Labcorp Genetics (formerly Invitae), Labcorp
Classification: Uncertain significance. Last evaluated: 2021-08-31. Review status: criteria provided, single submitter. Criteria: Invitae Variant Classification Sherloc (09022015). Collection method: clinical testing. Allele origin: germline.
Comment: This sequence change replaces phenylalanine with leucine at codon 2041 of the LRP2 protein (p.Phe2041Leu). The phenylalanine residue is highly conserved and there is a small physicochemical difference between phenylalanine and leucine. This variant is not present in population databases (ExAC no frequency). This variant has not been reported in the literature in individuals affected with LRP2-related conditions. Algorithms developed to predict the effect of missense changes on protein structure and function are either unavailable or do not agree on the potential impact of this missense change (SIFT: "Tolerated"; PolyPhen-2: "Possibly Damaging"; Align-GVGD: "Class C0"). In summary, the available evidence is currently insufficient to determine the role of this variant in disease. Therefore, it has been classified as a Variant of Uncertain Significance.